The following is an entry in ClinVar:

ClinVar aggregate classification (germline): Uncertain significance (1 of 4 stars; one submission).

Conditions:
Fanconi anemia (FA). Also called: Fanconi's anemia. Identifiers: Orphanet 84, MedGen C0015625, MeSH D005199, MONDO:0019391.

Allele frequency attached by ClinVar (database versions not stated): gnomAD exomes 0.00001; TOPMed 0.00001.
gnomAD v4.1: 1 of 1,613,964 alleles (0.000062%); highest among the groups gnomAD compares: South Asian, 0.0011%; no homozygotes.

Submission:

Labcorp Genetics (formerly Invitae), Labcorp
Classification: Uncertain significance for Fanconi anemia. Last evaluated: 2024-04-15. Review status: criteria provided, single submitter. Criteria: Invitae Variant Classification Sherloc (09022015). Collection method: clinical testing. Allele origin: germline.
Comment: This sequence change replaces tyrosine, which is neutral and polar, with cysteine, which is neutral and slightly polar, at codon 1225 of the FANCI protein (p.Tyr1225Cys). This variant is present in population databases (no rsID available, gnomAD 0.006%). This variant has not been reported in the literature in individuals affected with FANCI-related conditions. ClinVar contains an entry for this variant (Variation ID: 661398). Algorithms developed to predict the effect of missense changes on protein structure and function output the following: SIFT: "Not Available"; PolyPhen-2: "Benign"; Align-GVGD: "Not Available". The cysteine amino acid residue is found in multiple mammalian species, which suggests that this missense change does not adversely affect protein function. In summary, the available evidence is currently insufficient to determine the role of this variant in disease. Therefore, it has been classified as a Variant of Uncertain Significance.

NM_001113378.2(FANCI):c.3674A>G (p.Tyr1225Cys)

Gene: FANCI (FA complementation group I; plus strand). Cytogenetic location: 15q26.1.
Variant type: single nucleotide variant.
Coding change: c.3674A>G on transcript NM_001113378.2 (MANE Select); coding-DNA position 3674, A replaced by G.
Protein change: p.Tyr1225Cys; replaces tyrosine 1225 with cysteine.
Molecular consequence: missense variant.
Genome position (GRCh38, 1-based): chr15:89,312,926, A>G. VCF-style: chr15-89312926-A-G. GRCh37 (hg19) VCF-style: chr15-89856157-A-G.
Other names: c.3395A>G, p.Tyr1132Cys (NM_001376910.1); c.3674A>G, p.Tyr1225Cys (NM_001376911.1); c.3494A>G, p.Tyr1165Cys (NM_018193.3); short protein forms Y1165C, Y1225C, Y1132C.
Identifiers: ClinVar variation 661398 (VCV000661398.8), dbSNP rs1351957141, ClinGen allele CA393742726.
Genomic context (GRCh38, chr15:89,312,926, plus strand): 5'-ATCATCAGGAATAAGAGAATGTGTTTCTATTTCTTTAGAATAAGAGTAAGAGCCTGAACT[A>G]TACGGGAGAGAAAAAGGAGAAACCTGCTGCCGTTGCCACAGCCATGGTAAGCTGCTGACA-3'
Protein context (NP_001106849.1, residues 1215-1235): YVQNKSKSLN[Tyr1225Cys]TGEKKEKPAA